The following is an entry in ClinVar:

NM_006080.3(SEMA3A):c.366G>T (p.Lys122Asn)

Gene: SEMA3A (semaphorin 3A; minus strand). Cytogenetic location: 7q21.11.
Variant type: single nucleotide variant.
Coding change: c.366G>T on transcript NM_006080.3 (MANE Select); coding-DNA position 366, G replaced by T.
Protein change: p.Lys122Asn; replaces lysine 122 with asparagine.
Molecular consequence: missense variant.
Genome position (GRCh38, 1-based): chr7:84,110,557, C>A on the plus strand (G>T on the coding strand, the complement: SEMA3A is on the minus strand). VCF-style: chr7-84110557-C-A. GRCh37 (hg19) VCF-style: chr7-83739873-C-A.
Other names: short protein forms K122N.
Identifiers: ClinVar variation 3317272 (VCV003317272.2).

ClinVar aggregate classification (germline): Uncertain significance. Review status: criteria provided, single submitter (1 of 4 stars). 2 submissions from 2 submitters: Uncertain significance (1). 1 of the submissions does not count toward it. Last evaluated 2024-05-02.

Conditions:
Inborn genetic diseases. Identifiers: MedGen C0950123, MeSH D030342.
SEMA3A-related disorder. Also called: SEMA3A-related condition.

gnomAD v4.1: 59 of 1,613,748 alleles (0.0037%); highest among the groups gnomAD compares: Admixed American, 0.097%; no homozygotes.

Submissions (2):

Ambry Genetics
Classification: Uncertain significance for Inborn genetic diseases. Last evaluated: 2024-05-02. Review status: criteria provided, single submitter. Criteria: Ambry Variant Classification Scheme 2023. Collection method: clinical testing. Allele origin: germline.

PreventionGenetics, part of Exact Sciences
Classification: Likely benign for SEMA3A-related condition. Last evaluated: 2024-03-26. Review status: no assertion criteria provided. Collection method: clinical testing. Allele origin: germline. Not counted in ClinVar's aggregate classification.
Comment: This variant is classified as likely benign based on ACMG/AMP sequence variant interpretation guidelines (Richards et al. 2015 PMID: 25741868, with internal and published modifications).